The following is an entry in ClinVar:

NM_194248.3(OTOF):c.3126+2T>C

Gene: OTOF (otoferlin; minus strand). Cytogenetic location: 2p23.3.
Variant type: single nucleotide variant.
Coding change: c.3126+2T>C on transcript NM_194248.3 (MANE Select); the canonical splice donor site of the intron after coding-DNA position 3126, T replaced by C.
Molecular consequence: splice donor variant.
Genome position (GRCh38, 1-based): chr2:26,475,357, A>G on the plus strand (T>C on the coding strand, the complement: OTOF is on the minus strand). VCF-style: chr2-26475357-A-G. GRCh37 (hg19) VCF-style: chr2-26698225-A-G.
Other names: c.3126+2T>C (NM_001287489.2); c.885+2T>C (NM_194323.3, NM_004802.4); c.1056+2T>C (NM_194322.3).
Identifiers: ClinVar variation 2830899 (VCV002830899.3), dbSNP rs555566878, ClinGen allele CA44397597.
Genomic context (GRCh38, chr2:26,475,357, plus strand): 5'-TGCAGGGAACAAGGGCCAGGTGTGGTGCTGCTGGGGTCCCTGGCACCAGAGCCCACCCAT[A>G]CCATGGAATCCTGGTCATAGATTTCAATGACAATGATGGGCGGATCGTCCCTCAGCTCAT-3'

ClinVar aggregate classification (germline): Likely pathogenic (1 of 4 stars; one submission).

Allele frequency attached by ClinVar (database versions not stated): gnomAD exomes below 0.00001.
gnomAD v4.1: 2 of 1,612,852 alleles (0.00012%); highest among the groups gnomAD compares: Non-Finnish European, 0.00017%; no homozygotes.

Submission:

Labcorp Genetics (formerly Invitae), Labcorp
Classification: Likely pathogenic. Last evaluated: 2024-01-16. Review status: criteria provided, single submitter. Criteria: Invitae Variant Classification Sherloc (09022015). Collection method: clinical testing. Allele origin: germline.
Comment: This sequence change affects a donor splice site in intron 25 of the OTOF gene. It is expected to disrupt RNA splicing. Variants that disrupt the donor or acceptor splice site typically lead to a loss of protein function (PMID: 16199547), and loss-of-function variants in OTOF are known to be pathogenic (PMID: 18381613, 19250381, 22575033). This variant is not present in population databases (gnomAD no frequency). This variant has not been reported in the literature in individuals affected with OTOF-related conditions. Algorithms developed to predict the effect of sequence changes on RNA splicing suggest that this variant may disrupt the consensus splice site. In summary, the currently available evidence indicates that the variant is pathogenic, but additional data are needed to prove that conclusively. Therefore, this variant has been classified as Likely Pathogenic.

Literature cited by the submitters: PubMed 16199547; PubMed 18381613; PubMed 19250381; PubMed 22575033.